The following is an entry in ClinVar:

ClinVar aggregate classification (germline): Likely pathogenic (0 of 4 stars; one submission).

Conditions:
Treacher Collins syndrome 1 (TCS1). Also called: TCOF1-Related Treacher Collins Syndrome. Identifiers: Orphanet 861, MedGen CN315775, MONDO:0007944, OMIM 154500.

Submission:

Clinical Genomics Laboratory, Stanford Medicine
Classification: Likely pathogenic for Treacher Collins syndrome 1. Last evaluated: 2021-06-03. Review status: no assertion criteria provided. Collection method: clinical testing. Allele origin: germline. Inheritance: Autosomal dominant inheritance. Affected: yes. Observed: 1 heterozygote.
Comment: The p.Glu1453Lysfs*22 variant in the TCOF1 gene has not been previously reported in association with disease, and was absent from large population databases, including the Genome Aggregation Database. This variant results in a 1 bp deletion and 14 bp insertion, which causes a shift in the protein reading frame, leading to a premature termination codon 22 amino acids downstream. Given the location of this premature termination codon, this variant likely results in either a truncated or absent protein, and heterozygous loss of function is an established mechanism of disease for the TCOF1 gene. Notably, other nearby and downstream frameshift insertions/deletions have been previously reported in association with disease, and has been suggested to be a mutational hotspot (Splendore et al., 2002; Bowman et al., 2012; Vincent et al., 2016). These data were assessed using the ACMG/AMP variant interpretation guidelines. In summary, there is sufficient evidence to classify the p.Glu1453Lysfs*22 variant as likely pathogenic for Treacher Collins Syndrome in an autosomal dominant manner based on the information above. [ACMG evidence codes used: PVS1; PM2]

NM_001371623.1(TCOF1):c.4360delinsAAAAAGACAAAAAA (p.Glu1454fs)

Gene: TCOF1 (treacle ribosome biogenesis factor 1; plus strand). Cytogenetic location: 5q32.
Variant type: Indel.
Coding change: c.4360delinsAAAAAGACAAAAAA on transcript NM_001371623.1 (MANE Select); coding-DNA position 4360, G replaced by AAAAAGACAAAAAA.
Protein change: p.Glu1454fs; shifts the reading frame from glutamic acid 1454.
Molecular consequence: frameshift variant.
Genome position (GRCh38, 1-based): chr5:150,398,368, G replaced by AAAAAGACAAAAAA. VCF-style: chr5-150398368-G-AAAAAGACAAAAAA. GRCh37 (hg19) VCF-style: chr5-149777931-G-AAAAAGACAAAAAA.
Other names: p.Glu1453Lysfs*22; c.4126delinsAAAAAGACAAAAAA, p.Glu1376fs (NM_000356.4); c.4357delinsAAAAAGACAAAAAA, p.Glu1453fs (NM_001135243.2); c.4246delinsAAAAAGACAAAAAA, p.Glu1416fs (NM_001135244.2); c.4129delinsAAAAAGACAAAAAA, p.Glu1377fs (NM_001135245.2); c.4243delinsAAAAAGACAAAAAA, p.Glu1415fs (NM_001195141.2); short protein forms E1376fs, E1377fs, E1415fs, E1416fs, E1453fs, E1454fs.
Identifiers: ClinVar variation 2671840 (VCV002671840.1), dbSNP rs2534641075, ClinGen allele CA2695198778.